The following is an entry in ClinVar:

NM_032601.4(MCEE):c.3G>A (p.Met1Ile)

Gene: MCEE (methylmalonyl-CoA epimerase; minus strand). Cytogenetic location: 2p13.3.
Variant type: single nucleotide variant.
Coding change: c.3G>A on transcript NM_032601.4 (MANE Select); coding-DNA position 3, G replaced by A.
Protein change: p.Met1Ile; changes the start codon (methionine 1).
Molecular consequence: missense variant, initiator codon variant.
Genome position (GRCh38, 1-based): chr2:71,130,217, C>T on the plus strand (G>A on the coding strand, the complement: MCEE is on the minus strand). VCF-style: chr2-71130217-C-T. GRCh37 (hg19) VCF-style: chr2-71357347-C-T.
Other names: short protein forms M1I.
Identifiers: ClinVar variation 1003508 (VCV001003508.10), dbSNP rs1558750455, ClinGen allele CA347191761.

ClinVar aggregate classification (germline): Uncertain significance. Review status: criteria provided, multiple submitters, no conflicts (2 of 4 stars). 2 submissions from 2 submitters: Uncertain significance (2). Last evaluated 2020-05-21.

Conditions:
Methylmalonic acidemia due to methylmalonyl-CoA epimerase deficiency. Also called: Methylmalonyl-CoA Epimerase Deficiency; METHYLMALONYL-CoA RACEMASE DEFICIENCY; METHYLMALONIC ACIDURIA III. Identifiers: Orphanet 308425, MedGen C1855100, MONDO:0009615, OMIM 251120.

Allele frequency attached by ClinVar (database versions not stated): gnomAD exomes below 0.00001; TOPMed below 0.00001.

Submissions (2):

Labcorp Genetics (formerly Invitae), Labcorp
Classification: Uncertain significance for Methylmalonic acidemia due to methylmalonyl-CoA epimerase deficiency. Last evaluated: 2020-05-21. Review status: criteria provided, single submitter. Criteria: Invitae Variant Classification Sherloc (09022015). Collection method: clinical testing. Allele origin: germline.
Comment: In summary, the available evidence is currently insufficient to determine the role of this variant in disease. Therefore, it has been classified as a Variant of Uncertain Significance. Algorithms developed to predict the effect of sequence changes on RNA splicing suggest that this variant may create or strengthen a splice site, but this prediction has not been confirmed by published transcriptional studies. This variant has not been reported in the literature in individuals with MCEE-related conditions. This variant is not present in population databases (ExAC no frequency). This sequence change affects the initiator methionine of the MCEE mRNA. The next in-frame methionine is located at codon 96.

Blueprint Genetics
Classification: Uncertain significance. Last evaluated: 2017-07-17. Review status: criteria provided, single submitter. Criteria: ACMG Guidelines, 2015. Collection method: clinical testing. Allele origin: germline.